The following is an entry in ClinVar:

NM_000384.3(APOB):c.11542G>T (p.Ala3848Ser)

Gene: APOB (apolipoprotein B; minus strand). Cytogenetic location: 2p24.1.
Variant type: single nucleotide variant.
Coding change: c.11542G>T on transcript NM_000384.3 (MANE Select); coding-DNA position 11542, G replaced by T.
Protein change: p.Ala3848Ser; replaces alanine 3848 with serine.
Molecular consequence: missense variant.
Genome position (GRCh38, 1-based): chr2:21,005,326, C>A on the plus strand (G>T on the coding strand, the complement: APOB is on the minus strand). VCF-style: chr2-21005326-C-A. GRCh37 (hg19) VCF-style: chr2-21228198-C-A.
Other names: short protein forms A3848S.
Identifiers: ClinVar variation 1734795 (VCV001734795.2), dbSNP rs61743512, ClinGen allele CA345978163.

ClinVar aggregate classification (germline): Uncertain significance (1 of 4 stars; one submission).

Conditions:
Cardiovascular phenotype. Identifiers: MedGen CN230736.

gnomAD v4.1: 1 of 1,614,008 alleles (0.000062%); highest among the groups gnomAD compares: Non-Finnish European, 0.000085%; no homozygotes.

Submission:

Ambry Genetics
Classification: Uncertain significance for Cardiovascular phenotype. Last evaluated: 2022-09-12. Review status: criteria provided, single submitter. Criteria: Ambry Variant Classification Scheme 2023. Collection method: clinical testing. Allele origin: germline.
Comment: The p.A3848S variant (also known as c.11542G>T), located in coding exon 26 of the APOB gene, results from a G to T substitution at nucleotide position 11542. The alanine at codon 3848 is replaced by serine, an amino acid with similar properties. This amino acid position is not well conserved in available vertebrate species. In addition, this alteration is predicted to be tolerated by in silico analysis. Since supporting evidence is limited at this time, the clinical significance of this alteration remains unclear.